The following is an entry in ClinVar:

NM_152296.5(ATP1A3):c.1969G>A (p.Gly657Ser)

Gene: ATP1A3 (ATPase Na+/K+ transporting subunit alpha 3; minus strand). Cytogenetic location: 19q13.2.
Variant type: single nucleotide variant.
Coding change: c.1969G>A on transcript NM_152296.5 (MANE Select); coding-DNA position 1969, G replaced by A.
Protein change: p.Gly657Ser; replaces glycine 657 with serine.
Molecular consequence: missense variant.
Genome position (GRCh38, 1-based): chr19:41,976,541, C>T on the plus strand (G>A on the coding strand, the complement: ATP1A3 is on the minus strand). VCF-style: chr19-41976541-C-T. GRCh37 (hg19) VCF-style: chr19-42480693-C-T.
Other names: c.2002G>A, p.Gly668Ser (NM_001256213.2); c.2008G>A, p.Gly670Ser (NM_001256214.2); short protein forms G668S, G657S, G670S.
Identifiers: ClinVar variation 3572848 (VCV003572848.1).

ClinVar aggregate classification (germline): Uncertain significance (1 of 4 stars; one submission).

Submission:

GeneDx
Classification: Uncertain significance. Last evaluated: 2024-07-11. Review status: criteria provided, single submitter. Criteria: GeneDx Variant Classification Process June 2021. Collection method: clinical testing. Allele origin: germline. Affected: yes.
Comment: In silico analysis supports that this missense variant has a deleterious effect on protein structure/function; Not observed at significant frequency in large population cohorts (gnomAD); Has not been previously published as pathogenic or benign to our knowledge